The following is an entry in ClinVar:

ClinVar aggregate classification (germline): Conflicting classifications of pathogenicity. Review status: criteria provided, conflicting classifications (1 of 4 stars). 8 submissions from 8 submitters: Uncertain significance (1); Benign (1); Likely benign (5). 1 of the submissions does not count toward it. Last evaluated 2025-12-31.

Conditions:
ACTN4-related disorder. Also called: ACTN4-related condition.
Focal segmental glomerulosclerosis (FSGS). Also called: Glomerulosclerosis, focal; Focal sclerosis with hyalinosis. Identifiers: MedGen C0017668, MONDO:0100313, HP:0000097. Disease mechanism: loss of function.

Allele frequency attached by ClinVar (database versions not stated): gnomAD 0.00111 and 0.00113; ExAC 0.00132; TOPMed 0.00133; gnomAD exomes 0.00135; ESP Exome Variant Server 0.00154.
gnomAD v4.1: 2,371 of 1,612,686 alleles (0.15%); highest among the groups gnomAD compares: Middle Eastern, 0.56%; 6 homozygotes.

Submissions (8):

Labcorp Genetics (formerly Invitae), Labcorp
Classification: Likely benign. Last evaluated: 2025-12-31. Review status: criteria provided, single submitter. Criteria: Invitae Variant Classification Sherloc (09022015). Collection method: clinical testing. Allele origin: germline.

Genomic Medicine Center of Excellence, King Faisal Specialist Hospital and Research Centre
Classification: Likely benign. Last evaluated: 2025-08-18. Review status: criteria provided, single submitter. Criteria: ACMG Guidelines, 2015. Collection method: clinical testing. Allele origin: germline.

Blueprint Genetics
Classification: Likely benign. Last evaluated: 2024-11-21. Review status: criteria provided, single submitter. Criteria: ACMG Guidelines, 2015. Collection method: clinical testing. Allele origin: germline.

CeGaT Center for Human Genetics Tuebingen
Classification: Benign. Last evaluated: 2024-09-01. Review status: criteria provided, single submitter. Criteria: CeGaT Center For Human Genetics Tuebingen Variant Classification Criteria Version 2. Collection method: clinical testing. Allele origin: germline. Affected: yes. Observed: 3 variant alleles.
Comment: ACTN4: BS1, BS2

GeneDx
Classification: Uncertain significance. Last evaluated: 2023-02-09. Review status: criteria provided, single submitter. Criteria: GeneDx Variant Classification Process June 2021. Collection method: clinical testing. Allele origin: germline. Affected: yes.
Comment: Reported in a patient with end stage renal disease in published literature (Mansilla et al., 2019); In silico analysis, which includes protein predictors and evolutionary conservation, supports a deleterious effect; This variant is associated with the following publications: (PMID: 31738409)

Genome Diagnostics Laboratory, The Hospital for Sick Children
Classification: Likely benign for Focal segmental glomerulosclerosis. Last evaluated: 2022-09-27. Review status: criteria provided, single submitter. Criteria: ACMG Guidelines, 2015. Collection method: clinical testing. Allele origin: germline.

Athena Diagnostics
Classification: Likely benign. Last evaluated: 2019-11-06. Review status: criteria provided, single submitter. Criteria: Athena Diagnostics Criteria. Collection method: clinical testing. Allele origin: unknown.

PreventionGenetics, part of Exact Sciences
Classification: Likely benign for ACTN4-related condition. Last evaluated: 2019-10-28. Review status: no assertion criteria provided. Collection method: clinical testing. Allele origin: germline. Not counted in ClinVar's aggregate classification.
Comment: This variant is classified as likely benign based on ACMG/AMP sequence variant interpretation guidelines (Richards et al. 2015 PMID: 25741868, with internal and published modifications).

NM_004924.6(ACTN4):c.2680G>A (p.Gly894Ser)

Gene: ACTN4 (actinin alpha 4; plus strand). Cytogenetic location: 19q13.2.
Variant type: single nucleotide variant.
Coding change: c.2680G>A on transcript NM_004924.6 (MANE Select); coding-DNA position 2680, G replaced by A.
Protein change: p.Gly894Ser; replaces glycine 894 with serine.
Molecular consequence: missense variant.
Genome position (GRCh38, 1-based): chr19:38,729,376, G>A. VCF-style: chr19-38729376-G-A. GRCh37 (hg19) VCF-style: chr19-39220016-G-A.
Other names: c.2665G>A, p.Gly889Ser (NM_001322033.2); short protein forms G889S, G894S.
Identifiers: ClinVar variation 994767 (VCV000994767.43), dbSNP rs141002044, ClinGen allele CA9418140.